The following is an entry in ClinVar:

NM_024675.4(PALB2):c.2866G>A (p.Glu956Lys)

Gene: PALB2 (partner and localizer of BRCA2; minus strand). Cytogenetic location: 16p12.2.
Variant type: single nucleotide variant.
Coding change: c.2866G>A on transcript NM_024675.4 (MANE Select); coding-DNA position 2866, G replaced by A.
Protein change: p.Glu956Lys; replaces glutamic acid 956 with lysine.
Molecular consequence: missense variant.
Genome position (GRCh38, 1-based): chr16:23,623,099, C>T on the plus strand (G>A on the coding strand, the complement: PALB2 is on the minus strand). VCF-style: chr16-23623099-C-T. GRCh37 (hg19) VCF-style: chr16-23634420-C-T.
Other names: short protein forms E956K.
Identifiers: ClinVar variation 460963 (VCV000460963.17), dbSNP rs1219715328, ClinGen allele CA395144415.

ClinVar aggregate classification (germline): Uncertain significance. Review status: criteria provided, multiple submitters, no conflicts (2 of 4 stars). 6 submissions from 6 submitters: Uncertain significance (6). Last evaluated 2025-09-29.

Conditions:
Familial cancer of breast. Also called: BREAST CANCER, FAMILIAL; Hereditary breast cancer; hereditary breast carcinoma. Identifiers: Orphanet 227535, MedGen C0346153, MONDO:0016419, OMIM 114480. Disease mechanism: loss of function.
Hereditary cancer-predisposing syndrome. Also called: Neoplastic Syndromes, Hereditary; Hereditary Cancer Syndrome; Hereditary neoplastic syndrome; Tumor predisposition. Identifiers: Orphanet 140162, MedGen C0027672, MeSH D009386, MONDO:0015356.

Allele frequency attached by ClinVar (database versions not stated): gnomAD exomes 0.00001 and 0.00002; gnomAD 0.00006; TOPMed 0.00007.
gnomAD v4.1: 14 of 1,613,582 alleles (0.00087%); highest among the groups gnomAD compares: Admixed American, 0.023%; no homozygotes.

Submissions (6):

Women's Health and Genetics/Laboratory Corporation of America, LabCorp
Classification: Uncertain significance. Last evaluated: 2025-09-29. Review status: criteria provided, single submitter. Criteria: LabCorp Variant Classification Summary - May 2015. Collection method: clinical testing. Allele origin: germline.

Labcorp Genetics (formerly Invitae), Labcorp
Classification: Uncertain significance for Familial cancer of breast. Last evaluated: 2025-09-24. Review status: criteria provided, single submitter. Criteria: Invitae Variant Classification Sherloc (09022015). Collection method: clinical testing. Allele origin: germline.
Comment: This sequence change replaces glutamic acid, which is acidic and polar, with lysine, which is basic and polar, at codon 956 of the PALB2 protein (p.Glu956Lys). This variant is present in population databases (no rsID available, gnomAD 0.01%). This variant has not been reported in the literature in individuals affected with PALB2-related conditions. ClinVar contains an entry for this variant (Variation ID: 460963). Invitae Evidence Modeling of protein sequence and biophysical properties (such as structural, functional, and spatial information, amino acid conservation, physicochemical variation, residue mobility, and thermodynamic stability) indicates that this missense variant is expected to disrupt PALB2 protein function with a positive predictive value of 80%. In summary, the available evidence is currently insufficient to determine the role of this variant in disease. Therefore, it has been classified as a Variant of Uncertain Significance.

Center for Genomic Medicine, Rigshospitalet, Copenhagen University Hospital
Classification: Uncertain significance. Last evaluated: 2025-03-04. Review status: criteria provided, single submitter. Criteria: ACMG Guidelines, 2015. Collection method: clinical testing. Allele origin: germline.

Ambry Genetics
Classification: Uncertain significance for Hereditary cancer-predisposing syndrome. Last evaluated: 2024-07-28. Review status: criteria provided, single submitter. Criteria: Ambry Variant Classification Scheme 2023. Collection method: clinical testing. Allele origin: germline.
Comment: The p.E956K variant (also known as c.2866G>A), located in coding exon 9 of the PALB2 gene, results from a G to A substitution at nucleotide position 2866. The glutamic acid at codon 956 is replaced by lysine, an amino acid with similar properties. This amino acid position is not well conserved in available vertebrate species. In addition, this alteration is predicted to be tolerated by in silico analysis. Since supporting evidence is limited at this time, the clinical significance of this alteration remains unclear.

Institute for Biomarker Research, Medical Diagnostic Laboratories, L.L.C.
Classification: Uncertain significance for Hereditary cancer-predisposing syndrome. Last evaluated: 2023-11-28. Review status: criteria provided, single submitter. Criteria: ACMG Guidelines, 2015. Collection method: clinical testing. Allele origin: germline.

Quest Diagnostics Nichols Institute San Juan Capistrano
Classification: Uncertain significance. Last evaluated: 2023-05-03. Review status: criteria provided, single submitter. Criteria: Quest Diagnostics criteria. Collection method: clinical testing. Allele origin: unknown.
Comment: The variant has not been reported in the published literature. The frequency of this variant in the general population, 0.00014 (5/34580 chromosomes), is uninformative in assessment of its pathogenicity. Analysis of this variant using bioinformatics tools for the prediction of the effect of amino acid changes on protein structure and function yielded predictions that this variant is benign. Based on the available information, we are unable to determine the clinical significance of this variant.